The following is an entry in ClinVar:

ClinVar aggregate classification (germline): Pathogenic/Likely pathogenic. Review status: criteria provided, multiple submitters, no conflicts (2 of 4 stars). 3 submissions from 3 submitters: Pathogenic (1); Likely pathogenic (1). 1 of the submissions does not count toward it. Last evaluated 2024-06-24.

Conditions:
Hyperphosphatasia with impaired intellectual development syndrome 2. Also called: GLYCOSYLPHOSPHATIDYLINOSITOL BIOSYNTHESIS DEFECT 6; Hyperphosphatasia with intellectual disability syndrome 2. Identifiers: Orphanet 247262, MedGen C3553637, MONDO:0013882, OMIM 614749.

Submissions (3):

Labcorp Genetics (formerly Invitae), Labcorp
Classification: Pathogenic for Hyperphosphatasia with impaired intellectual development syndrome 2. Last evaluated: 2024-06-24. Review status: criteria provided, single submitter. Criteria: Invitae Variant Classification Sherloc (09022015). Collection method: clinical testing. Allele origin: germline.
Comment: This sequence change creates a premature translational stop signal (p.Thr788Hisfs*5) in the PIGO gene. It is expected to result in an absent or disrupted protein product. Loss-of-function variants in PIGO are known to be pathogenic (PMID: 22683086, 24417746). This variant is not present in population databases (gnomAD no frequency). This premature translational stop signal has been observed in individual(s) with hyperphosphatasia with intellectual disability syndrome (PMID: 22683086). ClinVar contains an entry for this variant (Variation ID: 35600). For these reasons, this variant has been classified as Pathogenic.

GeneDx
Classification: Likely pathogenic. Last evaluated: 2023-08-25. Review status: criteria provided, single submitter. Criteria: GeneDx Variant Classification Process June 2021. Collection method: clinical testing. Allele origin: germline. Affected: yes.
Comment: Published functional studies demonstrate that this variant results in the production of a truncated protein with disrupted function (Krawitz et al., 2012); Frameshift variant predicted to result in protein truncation as the last 302 amino acids are replaced with 4 different amino acids, and other loss-of-function variants have been reported downstream of this position in the protein; Not observed at significant frequency in large population cohorts (gnomAD); This variant is associated with the following publications: (PMID: 23940540, 28545593, 22683086)

OMIM
Classification: Pathogenic for HYPERPHOSPHATASIA WITH IMPAIRED INTELLECTUAL DEVELOPMENT SYNDROME 2. Last evaluated: 2012-07-13. Review status: no assertion criteria provided. Collection method: literature only. Allele origin: germline. Not counted in ClinVar's aggregate classification.

Literature cited by the submitters: PubMed 22683086 (cited by Labcorp Genetics (formerly Invitae), Labcorp and OMIM); PubMed 24417746 (cited by Labcorp Genetics (formerly Invitae), Labcorp).

NM_032634.4(PIGO):c.2361dup (p.Thr788fs)

Gene: PIGO (phosphatidylinositol glycan anchor biosynthesis class O; minus strand). Cytogenetic location: 9p13.3.
Variant type: Duplication.
Coding change: c.2361dup on transcript NM_032634.4 (MANE Select); coding-DNA position 2361, one base duplicated (C; older notation c.2361dupC).
Protein change: p.Thr788fs; shifts the reading frame from threonine 788.
Molecular consequence: frameshift variant. On other transcripts: intron variant (2).
Genome position (GRCh38, 1-based): chr9:35,091,526, G duplicated on the plus strand (C on the coding strand, the reverse complement: PIGO is on the minus strand); the first of 7 consecutive G bases (chr9:35,091,526-35,091,532); duplicating any one gives the same sequence. VCF-style (leftmost placement, unchanged base first): chr9-35091525-T-TG. GRCh37 (hg19) VCF-style: chr9-35091522-T-TG.
Other names: c.2361dupC (NM_032634.3); c.2361dup (NM_032634.3); c.1345-235dup (NM_152850.4, NM_001201484.2); short protein forms T788fs.
Identifiers: ClinVar variation 35600 (VCV000035600.10), dbSNP rs770591449, ClinGen allele CA129969.